The following is an entry in ClinVar:

ClinVar aggregate classification (germline): Uncertain significance (1 of 4 stars; one submission).

Conditions:
Congenital myopathy with internal nuclei and atypical cores. Also called: Myopathy, centronuclear, 4. Identifiers: Orphanet 319160, MedGen C4707232, MONDO:0013890, OMIM 614807.

Allele frequency attached by ClinVar (database versions not stated): gnomAD exomes below 0.00001; TOPMed below 0.00001; gnomAD 0.00001; ExAC 0.00002; ESP Exome Variant Server 0.00008.
gnomAD v4.1: 5 of 1,612,536 alleles (0.00031%); highest among the groups gnomAD compares: Middle Eastern, 0.016%; no homozygotes.

Submission:

Labcorp Genetics (formerly Invitae), Labcorp
Classification: Uncertain significance for Congenital myopathy with internal nuclei and atypical cores. Last evaluated: 2024-10-23. Review status: criteria provided, single submitter. Criteria: Invitae Variant Classification Sherloc (09022015). Collection method: clinical testing. Allele origin: germline.
Comment: This sequence change replaces serine, which is neutral and polar, with asparagine, which is neutral and polar, at codon 435 of the CCDC78 protein (p.Ser435Asn). This variant is present in population databases (rs138151643, gnomAD 0.002%). This variant has not been reported in the literature in individuals affected with CCDC78-related conditions. Invitae Evidence Modeling of protein sequence and biophysical properties (such as structural, functional, and spatial information, amino acid conservation, physicochemical variation, residue mobility, and thermodynamic stability) indicates that this missense variant is not expected to disrupt CCDC78 protein function with a negative predictive value of 80%. In summary, the available evidence is currently insufficient to determine the role of this variant in disease. Therefore, it has been classified as a Variant of Uncertain Significance.

NM_001378030.1(CCDC78):c.1308G>A (p.Lys436=)

Gene: CCDC78 (coiled-coil domain containing 78; minus strand). Cytogenetic location: 16p13.3.
Variant type: single nucleotide variant.
Coding change: c.1308G>A on transcript NM_001378030.1 (MANE Select); coding-DNA position 1308, G replaced by A.
Protein change: p.Lys436=; no amino-acid change (lysine 436 retained).
Molecular consequence: synonymous variant. On other transcripts: missense variant (1), non-coding transcript variant (5).
Genome position (GRCh38, 1-based): chr16:722,783, C>T on the plus strand (G>A on the coding strand, the complement: CCDC78 is on the minus strand). VCF-style: chr16-722783-C-T. GRCh37 (hg19) VCF-style: chr16-772783-C-T.
Other names: c.1304G>A, p.Ser435Asn (NM_001031737.3); c.1128G>A, p.Lys376= (NM_001378031.1); c.741G>A, p.Lys247= (NM_001378033.1); short protein forms S435N.
Identifiers: ClinVar variation 2887537 (VCV002887537.3), dbSNP rs138151643, ClinGen allele CA7789057.